The following is an entry in ClinVar:

NM_002088.5(GRIK5):c.316G>T (p.Val106Leu)

Gene: GRIK5 (glutamate ionotropic receptor kainate type subunit 5; minus strand). Cytogenetic location: 19q13.2.
Variant type: single nucleotide variant.
Coding change: c.316G>T on transcript NM_002088.5 (MANE Select); coding-DNA position 316, G replaced by T.
Protein change: p.Val106Leu; replaces valine 106 with leucine.
Molecular consequence: missense variant.
Genome position (GRCh38, 1-based): chr19:42,062,784, C>A on the plus strand (G>T on the coding strand, the complement: GRIK5 is on the minus strand). VCF-style: chr19-42062784-C-A. GRCh37 (hg19) VCF-style: chr19-42566936-C-A.
Other names: c.316G>T, p.Val106Leu (NM_001301030.2); short protein forms V106L.
Identifiers: ClinVar variation 2629499 (VCV002629499.1), dbSNP rs145589136, ClinGen allele CA308618046.
Genomic context (GRCh38, chr19:42,062,784, plus strand): 5'-CCCACAAAGCGCCGGCCCACACTCCCCATCTCACCTCCTTCTCTCCACAGATATGGCTCA[C>A]GGTGGAGGCAGATGCTGGGCTAGAGGAGGGCCCAAGGACAGACACAACCCCTTTGGGTAA-3'
Protein context (NP_002079.3, residues 96-116): PSSSPASAST[Val106Leu]SHICGEKEIP

ClinVar aggregate classification (germline): Uncertain significance (1 of 4 stars; one submission).

Conditions:
GRIK5-related disorder. Also called: GRIK5-related condition.

gnomAD v4.1: 18 of 1,613,758 alleles (0.0011%); highest among the groups gnomAD compares: Non-Finnish European, 0.0014%; no homozygotes.

Submission:

PreventionGenetics, part of Exact Sciences
Classification: Uncertain significance for GRIK5-related condition. Last evaluated: 2023-08-11. Review status: criteria provided, single submitter. Criteria: ACMG Guidelines, 2015. Collection method: clinical testing. Allele origin: germline.
Comment: The GRIK5 c.316G>T variant is predicted to result in the amino acid substitution p.Val106Leu. To our knowledge, this variant has not been reported in the literature or in a large population database, indicating this variant is rare. At this time, the clinical significance of this variant is uncertain due to the absence of conclusive functional and genetic evidence.